The following is an entry in ClinVar:

NM_005121.3(MED13):c.2269C>T (p.Pro757Ser)

Gene: MED13 (mediator complex subunit 13; minus strand). Cytogenetic location: 17q23.2.
Variant type: single nucleotide variant.
Coding change: c.2269C>T on transcript NM_005121.3 (MANE Select); coding-DNA position 2269, C replaced by T.
Protein change: p.Pro757Ser; replaces proline 757 with serine.
Molecular consequence: missense variant.
Genome position (GRCh38, 1-based): chr17:61,987,123, G>A on the plus strand (C>T on the coding strand, the complement: MED13 is on the minus strand). VCF-style: chr17-61987123-G-A. GRCh37 (hg19) VCF-style: chr17-60064484-G-A.
Other names: short protein forms P757S.
Identifiers: ClinVar variation 2636948 (VCV002636948.1), dbSNP rs775034964, ClinGen allele CA400512094.

ClinVar aggregate classification (germline): Uncertain significance (1 of 4 stars; one submission).

Conditions:
MED13-related disorder. Also called: MED13-related condition.

gnomAD v4.1: 2 of 1,594,134 alleles (0.00013%); highest among the groups gnomAD compares: Non-Finnish European, 0.00017%; no homozygotes.

Submission:

PreventionGenetics, part of Exact Sciences
Classification: Uncertain significance for MED13-related condition. Last evaluated: 2022-09-27. Review status: criteria provided, single submitter. Criteria: ACMG Guidelines, 2015. Collection method: clinical testing. Allele origin: germline.
Comment: The MED13 c.2269C>T variant is predicted to result in the amino acid substitution p.Pro757Ser. To our knowledge, this variant has not been reported in the literature. This variant is reported in 0.00094% of alleles in individuals of European (Non-Finnish) descent in gnomAD. At this time, the clinical significance of this variant is uncertain due to the absence of conclusive functional and genetic evidence.